The following is an entry in ClinVar:

NM_005120.3(MED12):c.70G>A (p.Val24Ile)

Gene: MED12 (mediator complex subunit 12; plus strand). Cytogenetic location: Xq13.1.
Variant type: single nucleotide variant.
Coding change: c.70G>A on transcript NM_005120.3 (MANE Select); coding-DNA position 70, G replaced by A.
Protein change: p.Val24Ile; replaces valine 24 with isoleucine.
Molecular consequence: missense variant.
Genome position (GRCh38, 1-based): chrX:71,118,824, G>A. VCF-style: chrX-71118824-G-A. GRCh37 (hg19) VCF-style: chrX-70338674-G-A.
Other names: short protein forms V24I.
Identifiers: ClinVar variation 1018854 (VCV001018854.9), dbSNP rs2092281566, ClinGen allele CA413498405.

ClinVar aggregate classification (germline): Uncertain significance (1 of 4 stars; one submission).

Conditions:
FG syndrome (FGS). Identifiers: MedGen C0220769, MONDO:0002010.

Submission:

Labcorp Genetics (formerly Invitae), Labcorp
Classification: Uncertain significance for FG syndrome. Last evaluated: 2020-09-20. Review status: criteria provided, single submitter. Criteria: Invitae Variant Classification Sherloc (09022015). Collection method: clinical testing. Allele origin: germline.
Comment: This variant has not been reported in the literature in individuals with MED12-related conditions. This variant is not present in population databases (ExAC no frequency). This sequence change replaces valine with isoleucine at codon 24 of the MED12 protein (p.Val24Ile). The valine residue is moderately conserved and there is a small physicochemical difference between valine and isoleucine. Algorithms developed to predict the effect of missense changes on protein structure and function are either unavailable or do not agree on the potential impact of this missense change (SIFT: "Deleterious"; PolyPhen-2: "Probably Damaging"; Align-GVGD: "Class C0"). In summary, the available evidence is currently insufficient to determine the role of this variant in disease. Therefore, it has been classified as a Variant of Uncertain Significance.